The following is an entry in ClinVar:

NM_024741.3(ZNF408):c.307G>A (p.Gly103Arg)

Gene: ZNF408 (zinc finger protein 408; plus strand). Cytogenetic location: 11p11.2.
Variant type: single nucleotide variant.
Coding change: c.307G>A on transcript NM_024741.3 (MANE Select); coding-DNA position 307, G replaced by A.
Protein change: p.Gly103Arg; replaces glycine 103 with arginine.
Molecular consequence: missense variant.
Genome position (GRCh38, 1-based): chr11:46,701,653, G>A. VCF-style: chr11-46701653-G-A. GRCh37 (hg19) VCF-style: chr11-46723203-G-A.
Other names: c.283G>A, p.Gly95Arg (NM_001184751.2); short protein forms G103R, G95R.
Identifiers: ClinVar variation 1929254 (VCV001929254.5), dbSNP rs2502785232, ClinGen allele CA380251947.

ClinVar aggregate classification (germline): Uncertain significance (1 of 4 stars; one submission).

Allele frequency attached by ClinVar (database versions not stated): gnomAD exomes below 0.00001.

Submission:

Labcorp Genetics (formerly Invitae), Labcorp
Classification: Uncertain significance. Last evaluated: 2022-01-31. Review status: criteria provided, single submitter. Criteria: Invitae Variant Classification Sherloc (09022015). Collection method: clinical testing. Allele origin: germline.
Comment: This variant has not been reported in the literature in individuals affected with ZNF408-related conditions. In summary, the available evidence is currently insufficient to determine the role of this variant in disease. Therefore, it has been classified as a Variant of Uncertain Significance. Algorithms developed to predict the effect of missense changes on protein structure and function (SIFT, PolyPhen-2, Align-GVGD) all suggest that this variant is likely to be tolerated. This variant is not present in population databases (gnomAD no frequency). This sequence change replaces glycine, which is neutral and non-polar, with arginine, which is basic and polar, at codon 103 of the ZNF408 protein (p.Gly103Arg).